The following is an entry in ClinVar:

NM_000384.3(APOB):c.5862C>A (p.Leu1954=)

Gene: APOB (apolipoprotein B; minus strand). Cytogenetic location: 2p24.1.
Variant type: single nucleotide variant.
Coding change: c.5862C>A on transcript NM_000384.3 (MANE Select); coding-DNA position 5862, C replaced by A.
Protein change: p.Leu1954=; no amino-acid change (leucine 1954 retained).
Molecular consequence: synonymous variant.
Genome position (GRCh38, 1-based): chr2:21,011,006, G>T on the plus strand (C>A on the coding strand, the complement: APOB is on the minus strand). VCF-style: chr2-21011006-G-T. GRCh37 (hg19) VCF-style: chr2-21233878-G-T.
Other names: c.5862C>A (NM_000384.2).
Identifiers: ClinVar variation 2161471 (VCV002161471.9), dbSNP rs757152578, ClinGen allele CA425346258.
Genomic context (GRCh38, chr2:21,011,006, plus strand): 5'-TGGAGTAAGCAGGGCACTGACTTTGTGTTCAAGAGCTGCACTGATGCTTTTCCTAGACAC[G>T]AGATGATGACTTGTGGAGCCTTTGTAATCATGAGAGAAAGTAAATGCCAGAGGTTCTGCT-3'
Protein context (NP_000375.3, residues 1944-1964): HDYKGSTSHH[Leu1954=]VSRKSISAAL

ClinVar aggregate classification (germline): Likely benign. Review status: criteria provided, multiple submitters, no conflicts (2 of 4 stars). 3 submissions from 3 submitters: Likely benign (3). Last evaluated 2026-02-01.

Conditions:
Cardiovascular phenotype. Identifiers: MedGen CN230736.
Familial hypobetalipoproteinemia 1. Also called: APOB-Related Familial Hypobetalipoproteinemia; Hypobetalipoproteinemia, normotriglyceridemic; Acanthocytosis with hypobetalipoproteinemia. Identifiers: MedGen C4551990, MONDO:0014252, OMIM 615558.
Hypercholesterolemia, autosomal dominant, type B (FHCL2). Also called: Familial Hypercholesterolemia Type B; APOB-Related Familial Hypercholesterolemia, Autosomal Dominant; Hyperlipoproteinemia Type IIb; APOLIPOPROTEIN B-100, FAMILIAL DEFECTIVE; APOLIPOPROTEIN B-100, FAMILIAL LIGAND-DEFECTIVE; HYPERCHOLESTEROLEMIA, FAMILIAL, DUE TO LIGAND-DEFECTIVE APOLIPOPROTEIN B. Identifiers: MedGen C1704417, MONDO:0007751, OMIM 144010.

Submissions (3):

CeGaT Center for Human Genetics Tuebingen
Classification: Likely benign. Last evaluated: 2026-02-01. Review status: criteria provided, single submitter. Criteria: CeGaT Center For Human Genetics Tuebingen Variant Classification Criteria Version 2. Collection method: clinical testing. Allele origin: germline. Affected: yes. Observed: 1 variant allele.
Comment: APOB: BP4, BP7

Labcorp Genetics (formerly Invitae), Labcorp
Classification: Likely benign for Familial hypobetalipoproteinemia 1; Hypercholesterolemia, autosomal dominant, type B. Last evaluated: 2025-08-15. Review status: criteria provided, single submitter. Criteria: Invitae Variant Classification Sherloc (09022015). Collection method: clinical testing. Allele origin: germline.

Ambry Genetics
Classification: Likely benign for Cardiovascular phenotype. Last evaluated: 2024-05-19. Review status: criteria provided, single submitter. Criteria: Ambry Variant Classification Scheme 2023. Collection method: clinical testing. Allele origin: germline.